The following is an entry in ClinVar:

NM_019066.5(MAGEL2):c.807C>A (p.Thr269=)

Gene: MAGEL2 (MAGE family member L2; minus strand). Cytogenetic location: 15q11.2.
Variant type: single nucleotide variant.
Coding change: c.807C>A on transcript NM_019066.5 (MANE Select); coding-DNA position 807, C replaced by A.
Protein change: p.Thr269=; no amino-acid change (threonine 269 retained).
Molecular consequence: synonymous variant.
Genome position (GRCh38, 1-based): chr15:23,646,936, G>T on the plus strand (C>A on the coding strand, the complement: MAGEL2 is on the minus strand). VCF-style: chr15-23646936-G-T. GRCh37 (hg19) VCF-style: chr15-23892083-G-T.
Identifiers: ClinVar variation 760029 (VCV000760029.35), dbSNP rs377155487, ClinGen allele CA7430076.

ClinVar aggregate classification (germline): Likely benign. Review status: criteria provided, multiple submitters, no conflicts (2 of 4 stars). 5 submissions from 5 submitters: Likely benign (3). 2 of the submissions do not count toward it. Last evaluated 2025-10-02.

Allele frequency attached by ClinVar (database versions not stated): TOPMed 0.00009; gnomAD exomes 0.00010 and 0.00013; gnomAD 0.00011; ExAC 0.00013; ESP Exome Variant Server 0.00022.
gnomAD v4.1: 155 of 1,536,758 alleles (0.01%); highest among the groups gnomAD compares: Non-Finnish European, 0.013%; no homozygotes.

Submissions (5):

Labcorp Genetics (formerly Invitae), Labcorp
Classification: Likely benign. Last evaluated: 2025-10-02. Review status: criteria provided, single submitter. Criteria: Invitae Variant Classification Sherloc (09022015). Collection method: clinical testing. Allele origin: germline.

CeGaT Center for Human Genetics Tuebingen
Classification: Likely benign. Last evaluated: 2025-10-01. Review status: criteria provided, single submitter. Criteria: CeGaT Center For Human Genetics Tuebingen Variant Classification Criteria Version 2. Collection method: clinical testing. Allele origin: germline. Affected: yes. Observed: 4 variant alleles.
Comment: MAGEL2: BP4, BP7

Blueprint Genetics
Classification: Likely benign. Last evaluated: 2024-11-27. Review status: criteria provided, single submitter. Criteria: ACMG Guidelines, 2015. Collection method: clinical testing. Allele origin: germline.

Clinical Genetics DNA and cytogenetics Diagnostics Lab, Erasmus MC, Erasmus Medical Center
Classification: Likely benign. Review status: no assertion criteria provided. Collection method: clinical testing. Allele origin: germline. Affected: yes. Study: VKGL Data-share Consensus. Not counted in ClinVar's aggregate classification.

Clinical Genetics, Academic Medical Center
Classification: Benign. Review status: no assertion criteria provided. Collection method: clinical testing. Allele origin: germline. Affected: yes. Study: VKGL Data-share Consensus. Not counted in ClinVar's aggregate classification.